The following is an entry in ClinVar:

NM_020457.3(THAP11):c.366_368del (p.Gln132del)

Genes: CENPT (centromere protein T; minus strand), THAP11 (THAP domain containing 11; plus strand). Cytogenetic location: 16q22.1.
Variant type: Deletion.
Coding change: c.366_368del on transcript NM_020457.3 (MANE Select); coding-DNA positions 366 to 368, 3 bases deleted (ACA; older notation c.366_368delACA).
Protein change: p.Gln132del; deletes glutamine 132.
Molecular consequence: inframe deletion. On other transcripts: intron variant (1).
Genome position (GRCh38, 1-based): chr16:67,842,920-67,842,922, ACA deleted; deleting any 3 consecutive bases within chr16:67,842,918-67,842,922 gives the same sequence; the c. name uses the placement nearest the transcript's 3' end. VCF-style (leftmost placement, unchanged base first): chr16-67842917-GCAA-G. GRCh37 (hg19) VCF-style: chr16-67876820-GCAA-G.
Other names: c.-492+4481_-492+4483del (NM_025082.4); c.366_368delACA (NM_020457.2); short protein forms Q132del.
Identifiers: ClinVar variation 2866657 (VCV002866657.4), dbSNP rs769030150, ClinGen allele CA8118223.
Genomic context (GRCh38, chr16:67,842,917, plus strand): 5'-CCGCAGGCAGCAGCAGCAACAGCAGCAGCAGCAGCAACAGCAGCAACAGCAGCAGCAGCA[GCAA>G]CAGCAGCAGCAGCAGCAGCAGCAGCAGCAGTCCTCACCCTCTGCCTCCACTGCCCAGACT-3'

ClinVar aggregate classification (germline): Likely benign. Review status: criteria provided, multiple submitters, no conflicts (2 of 4 stars). 2 submissions from 2 submitters: Likely benign (2). Last evaluated 2026-01-05.

Conditions:
THAP11-related disorder. Also called: THAP11-related condition.

Submissions (2):

PreventionGenetics, part of Exact Sciences
Classification: Likely benign for THAP11-related condition. Last evaluated: 2026-01-05. Review status: criteria provided, single submitter. Criteria: ACMG Guidelines, 2015. Collection method: clinical testing. Allele origin: germline.
Comment: This variant is classified as likely benign based on ACMG/AMP sequence variant interpretation guidelines (Richards et al. 2015 PMID: 25741868, with internal and published modifications).

Labcorp Genetics (formerly Invitae), Labcorp
Classification: Likely benign. Last evaluated: 2025-07-28. Review status: criteria provided, single submitter. Criteria: Invitae Variant Classification Sherloc (09022015). Collection method: clinical testing. Allele origin: germline.